The following is an entry in ClinVar:

ClinVar aggregate classification (germline): Uncertain significance (0 of 4 stars; one submission).

Conditions:
PCNT-related disorder. Also called: PCNT-related condition.

Submission:

PreventionGenetics, part of Exact Sciences
Classification: Uncertain significance for PCNT-related condition. Last evaluated: 2024-09-12. Review status: no assertion criteria provided. Collection method: clinical testing. Allele origin: germline.
Comment: The PCNT c.6132T>G variant is predicted to result in the amino acid substitution p.Ser2044Arg. To our knowledge, this variant has not been reported in the literature or in a large population database, indicating this variant is rare. At this time, the clinical significance of this variant is uncertain due to the absence of conclusive functional and genetic evidence.

NM_006031.6(PCNT):c.6132T>G (p.Ser2044Arg)

Gene: PCNT (pericentrin; plus strand). Cytogenetic location: 21q22.3.
Variant type: single nucleotide variant.
Coding change: c.6132T>G on transcript NM_006031.6 (MANE Select); coding-DNA position 6132, T replaced by G.
Protein change: p.Ser2044Arg; replaces serine 2044 with arginine.
Molecular consequence: missense variant.
Genome position (GRCh38, 1-based): chr21:46,412,974, T>G. VCF-style: chr21-46412974-T-G. GRCh37 (hg19) VCF-style: chr21-47832888-T-G.
Other names: c.5778T>G, p.Ser1926Arg (NM_001315529.2); short protein forms S1926R, S2044R.
Identifiers: ClinVar variation 3345151 (VCV003345151.1).
Genomic context (GRCh38, chr21:46,412,974, plus strand): 5'-CGTCTGCCAGAGGCAGCTGCAGTCGGAGCTGCTCTTGGTGAAAAATGAAATGCGCCTGAG[T>G]CTGGAGGACGGCGGCAAGGTGTGGGGAGGGGGGAAGGCGCGAGGTCCCCCCGGGAGAGGC-3'
Protein context (NP_006022.3, residues 2034-2054): LLLVKNEMRL[Ser2044Arg]LEDGGKGKEK